The following is an entry in ClinVar:

ClinVar aggregate classification (germline): Pathogenic (1 of 4 stars; one submission).

Conditions:
Hereditary cancer-predisposing syndrome. Also called: Hereditary Cancer Syndrome; Hereditary neoplastic syndrome; Tumor predisposition; Neoplastic Syndromes, Hereditary. Identifiers: Orphanet 140162, MedGen C0027672, MeSH D009386, MONDO:0015356.

Submission:

Ambry Genetics
Classification: Pathogenic for Hereditary cancer-predisposing syndrome. Last evaluated: 2021-08-09. Review status: criteria provided, single submitter. Criteria: Ambry Variant Classification Scheme 2023. Collection method: clinical testing. Allele origin: germline.
Comment: The c.252_264del13 pathogenic mutation, located in coding exon 3 of the BARD1 gene, results from a deletion of 13 nucleotides at nucleotide positions 252 to 264, causing a translational frameshift with a predicted alternate stop codon (p.V85Rfs*7). This variant is considered to be rare based on population cohorts in the Genome Aggregation Database (gnomAD). This alteration is expected to result in loss of function by premature protein truncation or nonsense-mediated mRNA decay. As such, this alteration is interpreted as a disease-causing mutation.

NM_000465.4(BARD1):c.252_264del (p.Val85fs)

Gene: BARD1 (BRCA1 associated RING domain 1; minus strand). Cytogenetic location: 2q35.
Variant type: Deletion.
Coding change: c.252_264del on transcript NM_000465.4 (MANE Select); coding-DNA positions 252 to 264, 13 bases deleted (AGTGTGTTACACC).
Protein change: p.Val85fs; shifts the reading frame from valine 85.
Molecular consequence: frameshift variant. On other transcripts: non-coding transcript variant (1), intron variant (2).
Genome position (GRCh38, 1-based): chr2:214,792,397-214,792,409, GGTGTAACACACT deleted on the plus strand (AGTGTGTTACACC on the coding strand, the reverse complement: BARD1 is on the minus strand); deleting any 13 consecutive bases within chr2:214,792,397-214,792,411 gives the same sequence; the c. name uses the placement nearest the transcript's 3' end. VCF-style (leftmost placement, unchanged base first): chr2-214792396-GGGTGTAACACACT-G. GRCh37 (hg19) VCF-style: chr2-215657120-GGGTGTAACACACT-G.
Other names: c.195_207del, p.Val66fs (NM_001282543.2); c.252_264del, p.Val85fs (NM_001282549.2); c.158+17003_158+17015del (NM_001282548.2); c.215+4652_215+4664del (NM_001282545.2); short protein forms V66fs, V85fs.
Identifiers: ClinVar variation 1792527 (VCV001792527.2), dbSNP rs2469561494, ClinGen allele CA2580065604.
Genomic context (GRCh38, chr2:214,792,396, plus strand): 5'-TACAAAGTTGAATCATGCTGTCCAGTTGTCTATTTATCTTCAAGTCTTGTATCCAGGCCG[GGGTGTAACACACT>G]GGACATCCAGTTCCAATGCAGTCACTTACACAATTACTTTAAAATAATTAAAAAAAAAAA-3'